The following is an entry in ClinVar:

NM_004655.4(AXIN2):c.2405+8T>G

Gene: AXIN2 (axin 2; minus strand). Cytogenetic location: 17q24.1.
Variant type: single nucleotide variant.
Coding change: c.2405+8T>G on transcript NM_004655.4 (MANE Select); 8 bases into the intron after coding-DNA position 2405, T replaced by G.
Molecular consequence: intron variant.
Genome position (GRCh38, 1-based): chr17:65,533,904, A>C on the plus strand (T>G on the coding strand, the complement: AXIN2 is on the minus strand). VCF-style: chr17-65533904-A-C. GRCh37 (hg19) VCF-style: chr17-63530022-A-C.
Other names: c.2210+8T>G (NM_001363813.1).
Identifiers: ClinVar variation 750045 (VCV000750045.11), dbSNP rs1598093812, ClinGen allele CA915952166.

ClinVar aggregate classification (germline): Likely benign. Review status: criteria provided, multiple submitters, no conflicts (2 of 4 stars). 2 submissions from 2 submitters: Likely benign (2). Last evaluated 2024-07-10.

Conditions:
Oligodontia-cancer predisposition syndrome. Also called: TOOTH AGENESIS-COLORECTAL CANCER SYNDROME. Identifiers: Orphanet 300576, MedGen C1837750, MONDO:0012075, OMIM 608615. Disease mechanism: loss of function.

Submissions (2):

Myriad Genetics, Inc.
Classification: Likely benign for Oligodontia-cancer predisposition syndrome. Last evaluated: 2024-07-10. Review status: criteria provided, single submitter. Criteria: Myriad Autosomal Dominant, Autosomal Recessive and X-Linked Classification Criteria (2023). Collection method: clinical testing. Allele origin: unknown.
Comment: This variant is considered likely benign. This variant is intronic and is not expected to impact mRNA splicing.

Labcorp Genetics (formerly Invitae), Labcorp
Classification: Likely benign for Oligodontia-cancer predisposition syndrome. Last evaluated: 2022-04-12. Review status: criteria provided, single submitter. Criteria: Invitae Variant Classification Sherloc (09022015). Collection method: clinical testing. Allele origin: germline.